The following is an entry in ClinVar:

ClinVar aggregate classification (germline): Conflicting classifications of pathogenicity. Review status: criteria provided, conflicting classifications (1 of 4 stars). 2 submissions from 2 submitters: Uncertain significance (1); Likely benign (1). Last evaluated 2022-06-10.

Conditions:
Hereditary cancer-predisposing syndrome. Also called: Hereditary neoplastic syndrome; Tumor predisposition; Neoplastic Syndromes, Hereditary; Hereditary Cancer Syndrome. Identifiers: Orphanet 140162, MedGen C0027672, MeSH D009386, MONDO:0015356.
EGFR-related lung cancer (EGFR). Identifiers: MedGen CN130014.

Submissions (2):

Labcorp Genetics (formerly Invitae), Labcorp
Classification: Likely benign for EGFR-related lung cancer. Last evaluated: 2022-06-10. Review status: criteria provided, single submitter. Criteria: Invitae Variant Classification Sherloc (09022015). Collection method: clinical testing. Allele origin: germline.

Sema4
Classification: Uncertain significance for Hereditary cancer-predisposing syndrome. Last evaluated: 2021-12-11. Review status: criteria provided, single submitter. Criteria: Sema4 Curation Guidelines. Collection method: curation. Allele origin: germline.
Comment: To the best of our knowledge, the EGFR c.890-3delC variant has not been reported in individuals with EGFR-related disease. This variant is not reported in the population database Genome Aggregation Database (PMID: 32461654), nor has it been reported in ClinVar. Algorithms developed to predict the effect of sequence changes on RNA splicing suggest that this variant is not likely to affect splicing, though these predictions have not been confirmed by transcriptional studies. There is no indication that this variant causes disease, but the evidence is insufficient currently to prove that conclusively. Thus, the clinical significance of this variant is currently uncertain.

NM_005228.5(EGFR):c.890-3del

Gene: EGFR (epidermal growth factor receptor; plus strand). Cytogenetic location: 7p11.2.
Variant type: Deletion.
Coding change: c.890-3del on transcript NM_005228.5 (MANE Select); 3 bases into the intron before coding-DNA position 890, one base deleted (C; older notation c.890-3delC).
Molecular consequence: intron variant.
Genome position (GRCh38, 1-based): chr7:55,155,827, C deleted; the last of 4 consecutive C bases (chr7:55,155,824-55,155,827); deleting any one gives the same sequence. VCF-style (leftmost placement, unchanged base first): chr7-55155823-TC-T. GRCh37 (hg19) VCF-style: chr7-55223516-TC-T.
Other names: c.755-3del (NM_001346899.2, NM_001346897.2); c.89-3del (NM_001346941.2); c.890-3del (NM_001346898.2, NM_201284.2, NM_201282.2 and 1 more transcripts); c.731-3del (NM_001346900.2).
Identifiers: ClinVar variation 1692874 (VCV001692874.6), dbSNP rs1785382259, ClinGen allele CA1708915637.